The following is an entry in ClinVar:

ClinVar aggregate classification (germline): Uncertain significance (1 of 4 stars; one submission).

gnomAD v4.1: 3 of 1,613,748 alleles (0.00019%); highest among the groups gnomAD compares: Admixed American, 0.0017%; no homozygotes.

Submission:

GeneDx
Classification: Uncertain significance. Last evaluated: 2024-12-26. Review status: criteria provided, single submitter. Criteria: GeneDx Variant Classification Process June 2021. Collection method: clinical testing. Allele origin: germline. Affected: yes.
Comment: Not observed at significant frequency in large population cohorts (gnomAD); In silico analysis indicates that this missense variant does not alter protein structure/function; Has not been previously published as pathogenic or benign to our knowledge

NM_144672.4(OTOA):c.1499C>G (p.Ala500Gly)

Gene: OTOA (otoancorin). Cytogenetic location: 16p12.2.
Variant type: single nucleotide variant.
Coding change: c.1499C>G on transcript NM_144672.4 (MANE Select); coding-DNA position 1499, C replaced by G.
Protein change: p.Ala500Gly; replaces alanine 500 with glycine.
Molecular consequence: missense variant.
Genome position (GRCh38, 1-based): chr16:21,716,917, C>G. VCF-style: chr16-21716917-C-G. GRCh37 (hg19) VCF-style: chr16-21728238-C-G.
Other names: c.1262C>G, p.Ala421Gly (NM_001161683.2); c.527C>G, p.Ala176Gly (NM_170664.3); short protein forms A176G, A421G, A500G.
Identifiers: ClinVar variation 3907819 (VCV003907819.1).